The following is an entry in ClinVar:

NM_030773.4(TUBB1):c.906C>T (p.Ala302=)

Gene: TUBB1 (tubulin beta 1 class VI; plus strand). Cytogenetic location: 20q13.32.
Variant type: single nucleotide variant.
Coding change: c.906C>T on transcript NM_030773.4 (MANE Select); coding-DNA position 906, C replaced by T.
Protein change: p.Ala302=; no amino-acid change (alanine 302 retained).
Molecular consequence: synonymous variant.
Genome position (GRCh38, 1-based): chr20:59,024,333, C>T. VCF-style: chr20-59024333-C-T. GRCh37 (hg19) VCF-style: chr20-57599388-C-T.
Identifiers: ClinVar variation 2170794 (VCV002170794.7), dbSNP rs150052175, ClinGen allele CA9928614.

ClinVar aggregate classification (germline): Likely benign. Review status: criteria provided, multiple submitters, no conflicts (2 of 4 stars). 3 submissions from 3 submitters: Likely benign (2). 1 of the submissions does not count toward it. Last evaluated 2025-12-08.

Conditions:
TUBB1-related disorder. Also called: TUBB1-related condition.

Allele frequency attached by ClinVar (database versions not stated): ExAC 0.00007; gnomAD exomes 0.00007; TOPMed 0.00008; gnomAD 0.00009; ESP Exome Variant Server 0.00015.
gnomAD v4.1: 118 of 1,613,712 alleles (0.0073%); highest among the groups gnomAD compares: Non-Finnish European, 0.0095%; no homozygotes.

Submissions (3):

Labcorp Genetics (formerly Invitae), Labcorp
Classification: Likely benign. Last evaluated: 2025-12-08. Review status: criteria provided, single submitter. Criteria: Invitae Variant Classification Sherloc (09022015). Collection method: clinical testing. Allele origin: germline.

Blueprint Genetics
Classification: Likely benign. Last evaluated: 2024-11-19. Review status: criteria provided, single submitter. Criteria: ACMG Guidelines, 2015. Collection method: clinical testing. Allele origin: germline.

PreventionGenetics, part of Exact Sciences
Classification: Likely benign for TUBB1-related condition. Last evaluated: 2020-03-05. Review status: no assertion criteria provided. Collection method: clinical testing. Allele origin: germline. Not counted in ClinVar's aggregate classification.
Comment: This variant is classified as likely benign based on ACMG/AMP sequence variant interpretation guidelines (Richards et al. 2015 PMID: 25741868, with internal and published modifications).